The following is an entry in ClinVar:

ClinVar aggregate classification (germline): Uncertain significance (1 of 4 stars; one submission).

Conditions:
Bethlem myopathy 1A. Also called: MYOPATHY, BENIGN CONGENITAL, WITH CONTRACTURES; Bethlem myopathy 1; Bethlem Muscular Dystrophy. Identifiers: Orphanet 610, MedGen CN029274, MONDO:0024530, OMIM 158810.

Submission:

Labcorp Genetics (formerly Invitae), Labcorp
Classification: Uncertain significance for Bethlem myopathy 1A. Last evaluated: 2023-11-27. Review status: criteria provided, single submitter. Criteria: Invitae Variant Classification Sherloc (09022015). Collection method: clinical testing. Allele origin: germline.
Comment: This sequence change replaces threonine, which is neutral and polar, with isoleucine, which is neutral and non-polar, at codon 2863 of the COL6A3 protein (p.Thr2863Ile). This variant is not present in population databases (gnomAD no frequency). This variant has not been reported in the literature in individuals affected with COL6A3-related conditions. ClinVar contains an entry for this variant (Variation ID: 1934709). Advanced modeling of protein sequence and biophysical properties (such as structural, functional, and spatial information, amino acid conservation, physicochemical variation, residue mobility, and thermodynamic stability) has been performed at Invitae for this missense variant, however the output from this modeling did not meet the statistical confidence thresholds required to predict the impact of this variant on COL6A3 protein function. In summary, the available evidence is currently insufficient to determine the role of this variant in disease. Therefore, it has been classified as a Variant of Uncertain Significance.

NM_004369.4(COL6A3):c.8588C>T (p.Thr2863Ile)

Gene: COL6A3 (collagen type VI alpha 3 chain; minus strand). Cytogenetic location: 2q37.3.
Variant type: single nucleotide variant.
Coding change: c.8588C>T on transcript NM_004369.4 (MANE Select); coding-DNA position 8588, C replaced by T.
Protein change: p.Thr2863Ile; replaces threonine 2863 with isoleucine.
Molecular consequence: missense variant.
Genome position (GRCh38, 1-based): chr2:237,336,512, G>A on the plus strand (C>T on the coding strand, the complement: COL6A3 is on the minus strand). VCF-style: chr2-237336512-G-A. GRCh37 (hg19) VCF-style: chr2-238245155-G-A.
Other names: c.6767C>T, p.Thr2256Ile (NM_057166.5); c.7970C>T, p.Thr2657Ile (NM_057167.4); short protein forms T2863I, T2256I, T2657I.
Identifiers: ClinVar variation 1934709 (VCV001934709.5), dbSNP rs1347026515, ClinGen allele CA351192036.